The following is an entry in ClinVar:

NM_018127.7(ELAC2):c.2422C>T (p.Pro808Ser)

Gene: ELAC2 (elaC ribonuclease Z 2; minus strand). Cytogenetic location: 17p12.
Variant type: single nucleotide variant.
Coding change: c.2422C>T on transcript NM_018127.7 (MANE Select); coding-DNA position 2422, C replaced by T.
Protein change: p.Pro808Ser; replaces proline 808 with serine.
Molecular consequence: missense variant.
Genome position (GRCh38, 1-based): chr17:12,992,877, G>A on the plus strand (C>T on the coding strand, the complement: ELAC2 is on the minus strand). VCF-style: chr17-12992877-G-A. GRCh37 (hg19) VCF-style: chr17-12896194-G-A.
Other names: c.2302C>T, p.Pro768Ser (NM_001165962.2); c.2419C>T, p.Pro807Ser (NM_173717.2); short protein forms P807S, P808S, P768S.
Identifiers: ClinVar variation 2095104 (VCV002095104.1), dbSNP rs2040253504, ClinGen allele CA398222117.

ClinVar aggregate classification (germline): Uncertain significance (1 of 4 stars; one submission).

Conditions:
Combined oxidative phosphorylation defect type 17. Also called: Combined oxidative phosphorylation deficiency 17. Identifiers: Orphanet 369913, MedGen C3809526, MONDO:0014190, OMIM 615440.

Allele frequency attached by ClinVar (database versions not stated): TOPMed below 0.00001.

Submission:

Labcorp Genetics (formerly Invitae), Labcorp
Classification: Uncertain significance for Combined oxidative phosphorylation defect type 17. Last evaluated: 2022-02-08. Review status: criteria provided, single submitter. Criteria: Invitae Variant Classification Sherloc (09022015). Collection method: clinical testing. Allele origin: germline.
Comment: This sequence change replaces proline, which is neutral and non-polar, with serine, which is neutral and polar, at codon 808 of the ELAC2 protein (p.Pro808Ser). This variant is not present in population databases (gnomAD no frequency). This variant has not been reported in the literature in individuals affected with ELAC2-related conditions. Algorithms developed to predict the effect of missense changes on protein structure and function output the following: SIFT: "Deleterious"; PolyPhen-2: "Benign"; Align-GVGD: "Class C0". The serine amino acid residue is found in multiple mammalian species, which suggests that this missense change does not adversely affect protein function. In summary, the available evidence is currently insufficient to determine the role of this variant in disease. Therefore, it has been classified as a Variant of Uncertain Significance.